The following is an entry in ClinVar:

NM_000553.6(WRN):c.3309+1G>A

Gene: WRN (WRN RecQ like helicase; plus strand). Cytogenetic location: 8p12.
Variant type: single nucleotide variant.
Coding change: c.3309+1G>A on transcript NM_000553.6 (MANE Select); the canonical splice donor site of the intron after coding-DNA position 3309, G replaced by A.
Molecular consequence: splice donor variant.
Genome position (GRCh38, 1-based): chr8:31,142,702, G>A. VCF-style: chr8-31142702-G-A. GRCh37 (hg19) VCF-style: chr8-31000218-G-A.
Identifiers: ClinVar variation 565595 (VCV000565595.6), dbSNP rs1281075870, ClinGen allele CA370923535.
Genomic context (GRCh38, chr8:31,142,702, plus strand): 5'-TCGGGCACCAAAGAGCATTGTTATAATCAAGTACCAGTTGAATTAAGTACAGAGAAGAAG[G>A]TTTGTTTTAAAGAAATTGTTCTGATTTATTTCATTCTTTATTGATTCAAATTCTGTTTAA-3'

ClinVar aggregate classification (germline): Likely pathogenic (1 of 4 stars; one submission).

Conditions:
Werner syndrome (WRN). Identifiers: Orphanet 902, MedGen C0043119, MONDO:0010196, OMIM 277700.

Allele frequency attached by ClinVar (database versions not stated): TOPMed below 0.00001; gnomAD 0.00001.
gnomAD v4.1: 2 of 1,597,572 alleles (0.00013%); highest among the groups gnomAD compares: Non-Finnish European, 0.00017%; no homozygotes.

Submission:

Labcorp Genetics (formerly Invitae), Labcorp
Classification: Likely pathogenic for Werner syndrome. Last evaluated: 2023-12-06. Review status: criteria provided, single submitter. Criteria: Invitae Variant Classification Sherloc (09022015). Collection method: clinical testing. Allele origin: germline.
Comment: This sequence change affects a donor splice site in intron 27 of the WRN gene. It is expected to disrupt RNA splicing. Variants that disrupt the donor or acceptor splice site typically lead to a loss of protein function (PMID: 16199547), and loss-of-function variants in WRN are known to be pathogenic (PMID: 16673358). This variant is present in population databases (no rsID available, gnomAD 0.007%). This variant has not been reported in the literature in individuals affected with WRN-related conditions. ClinVar contains an entry for this variant (Variation ID: 565595). Algorithms developed to predict the effect of sequence changes on RNA splicing suggest that this variant may disrupt the consensus splice site. In summary, the currently available evidence indicates that the variant is pathogenic, but additional data are needed to prove that conclusively. Therefore, this variant has been classified as Likely Pathogenic.

Literature cited by the submitters: PubMed 16199547; PubMed 16673358.